The following is an entry in ClinVar:

NM_001365536.1(SCN9A):c.2975T>G (p.Val992Gly)

Genes: SCN9A (sodium voltage-gated channel alpha subunit 9; minus strand), SCN1A-AS1 (SCN1A and SCN9A antisense RNA 1; plus strand). Cytogenetic location: 2q24.3.
Variant type: single nucleotide variant.
Coding change: c.2975T>G on transcript NM_001365536.1 (MANE Select); coding-DNA position 2975, T replaced by G.
Protein change: p.Val992Gly; replaces valine 992 with glycine.
Molecular consequence: missense variant.
Genome position (GRCh38, 1-based): chr2:166,272,775, A>C on the plus strand (T>G on the coding strand, the complement: SCN9A is on the minus strand). VCF-style: chr2-166272775-A-C. GRCh37 (hg19) VCF-style: chr2-167129285-A-C.
Other names: c.2942T>G, p.Val981Gly (NM_002977.4); short protein forms V992G, V981G.
Identifiers: ClinVar variation 941318 (VCV000941318.10), dbSNP rs1057524814, ClinGen allele CA349074632.

ClinVar aggregate classification (germline): Uncertain significance (1 of 4 stars; one submission).

Conditions:
Generalized epilepsy with febrile seizures plus, type 7 (GEFSP7). Also called: GEFS+, TYPE 7. Identifiers: Orphanet 36387, MedGen C2751778, MONDO:0013470, OMIM 613863.
Neuropathy, hereditary sensory and autonomic, type 2A (HSAN2A). Also called: HSAN IIA; MORVAN DISEASE; NEUROPATHY, CONGENITAL SENSORY; NEUROPATHY, HEREDITARY SENSORY RADICULAR, AUTOSOMAL RECESSIVE; NEUROPATHY, HEREDITARY SENSORY, TYPE IIA; NEUROPATHY, PROGRESSIVE SENSORY, OF CHILDREN. Identifiers: Orphanet 970, MedGen C2752089, MONDO:0024309, OMIM 201300.

gnomAD v4.1: 1 of 1,532,004 alleles (0.000065%); highest among the groups gnomAD compares: Non-Finnish European, 0.000087%; no homozygotes.

Submission:

Labcorp Genetics (formerly Invitae), Labcorp
Classification: Uncertain significance for Neuropathy, hereditary sensory and autonomic, type 2A; Generalized epilepsy with febrile seizures plus, type 7. Last evaluated: 2024-08-13. Review status: criteria provided, single submitter. Criteria: Invitae Variant Classification Sherloc (09022015). Collection method: clinical testing. Allele origin: germline.
Comment: This sequence change replaces valine, which is neutral and non-polar, with glycine, which is neutral and non-polar, at codon 981 of the SCN9A protein (p.Val981Gly). This variant is not present in population databases (gnomAD no frequency). This variant has not been reported in the literature in individuals affected with SCN9A-related conditions. ClinVar contains an entry for this variant (Variation ID: 941318). Advanced modeling of protein sequence and biophysical properties (such as structural, functional, and spatial information, amino acid conservation, physicochemical variation, residue mobility, and thermodynamic stability) performed at Invitae indicates that this missense variant is not expected to disrupt SCN9A protein function with a negative predictive value of 95%. In summary, the available evidence is currently insufficient to determine the role of this variant in disease. Therefore, it has been classified as a Variant of Uncertain Significance.